The following is an entry in ClinVar:

NM_001270508.2(TNFAIP3):c.1936C>A (p.Pro646Thr)

Gene: TNFAIP3 (TNF alpha induced protein 3; plus strand). Cytogenetic location: 6q23.3.
Variant type: single nucleotide variant.
Coding change: c.1936C>A on transcript NM_001270508.2 (MANE Select); coding-DNA position 1936, C replaced by A.
Protein change: p.Pro646Thr; replaces proline 646 with threonine.
Molecular consequence: missense variant.
Genome position (GRCh38, 1-based): chr6:137,880,100, C>A. VCF-style: chr6-137880100-C-A. GRCh37 (hg19) VCF-style: chr6-138201237-C-A.
Other names: c.1936C>A, p.Pro646Thr (NM_001270507.2, NM_006290.4); short protein forms P646T.
Identifiers: ClinVar variation 3658351 (VCV003658351.2).
Genomic context (GRCh38, chr6:137,880,100, plus strand): 5'-GTGGTACTAACTAGCATCCATTCTCATGTAGATTTTGCTGCTGCCTCAGGGAAAGTCAGT[C>A]CCACAGCGTCCAGGTTCCAGAACACCATTCCGTGCCTGGGGAGGGAATGCGGCACCCTTG-3'
Protein context (NP_001257437.1, residues 636-656): HFAAASGKVS[Pro646Thr]TASRFQNTIP

ClinVar aggregate classification (germline): Uncertain significance (1 of 4 stars; one submission).

Submission:

Labcorp Genetics (formerly Invitae), Labcorp
Classification: Uncertain significance. Last evaluated: 2024-07-06. Review status: criteria provided, single submitter. Criteria: Invitae Variant Classification Sherloc (09022015). Collection method: clinical testing. Allele origin: germline.
Comment: This sequence change replaces proline, which is neutral and non-polar, with threonine, which is neutral and polar, at codon 646 of the TNFAIP3 protein (p.Pro646Thr). This variant is not present in population databases (gnomAD no frequency). This variant has not been reported in the literature in individuals affected with TNFAIP3-related conditions. An algorithm developed to predict the effect of missense changes on protein structure and function (PolyPhen-2) suggests that this variant is likely to be tolerated. In summary, the available evidence is currently insufficient to determine the role of this variant in disease. Therefore, it has been classified as a Variant of Uncertain Significance.